The following is an entry in ClinVar:

ClinVar aggregate classification (germline): Pathogenic. Review status: criteria provided, single submitter (1 of 4 stars). 2 submissions from 2 submitters: Pathogenic (1). 1 of the submissions does not count toward it. Last evaluated 2023-06-20.

Conditions:
Achondrogenesis, type IB (ACG1B). Also called: Achondrogenesis Type 1B. Identifiers: Orphanet 932, Orphanet 93298, MedGen C0265274, MONDO:0010966, OMIM 600972.
Multiple epiphyseal dysplasia type 4 (EDM4). Also called: MULTIPLE EPIPHYSEAL DYSPLASIA WITH BILAYERED PATELLAE; MULTIPLE EPIPHYSEAL DYSPLASIA WITH CLUBFOOT; MULTIPLE EPIPHYSEAL DYSPLASIA, AUTOSOMAL RECESSIVE; SLC26A2-Related Multiple Epiphyseal Dysplasia; Multiple Epiphyseal Dysplasia, Recessive. Identifiers: Orphanet 93307, MedGen C1847593, MONDO:0009189, OMIM 226900.
Atelosteogenesis type II (AO2). Also called: SLC26A2-Related Atelosteogenesis; NEONATAL OSSEOUS DYSPLASIA I; Neonatal osseous dysplasia 1. Identifiers: Orphanet 56304, MedGen C1850554, MONDO:0009727, OMIM 256050.
Diastrophic dysplasia (DTD). Also called: Diastrophic dwarfism. Identifiers: Orphanet 628, MedGen C0220726, MONDO:0009107, OMIM 222600.

Submissions (2):

Labcorp Genetics (formerly Invitae), Labcorp
Classification: Pathogenic for Atelosteogenesis type II; Multiple epiphyseal dysplasia type 4; Achondrogenesis, type IB; Diastrophic dysplasia. Last evaluated: 2023-06-20. Review status: criteria provided, single submitter. Criteria: Invitae Variant Classification Sherloc (09022015). Collection method: clinical testing. Allele origin: germline.
Comment: This variant disrupts a region of the SLC26A2 protein in which other variant(s) (p.Ala715Val) have been determined to be pathogenic (PMID: 8571951, 11448940, 15294877, 21077204, 21922596; Invitae). This suggests that this is a clinically significant region of the protein, and that variants that disrupt it are likely to be disease-causing. For these reasons, this variant has been classified as Pathogenic. ClinVar contains an entry for this variant (Variation ID: 555059). This variant has not been reported in the literature in individuals affected with SLC26A2-related conditions. This variant is not present in population databases (gnomAD no frequency). This sequence change creates a premature translational stop signal (p.Tyr699*) in the SLC26A2 gene. While this is not anticipated to result in nonsense mediated decay, it is expected to disrupt the last 41 amino acid(s) of the SLC26A2 protein.

Counsyl
Classification: Uncertain significance for Multiple epiphyseal dysplasia type 4. Last evaluated: 2017-11-13. Review status: no assertion criteria provided. Collection method: clinical testing. Allele origin: unknown. Not counted in ClinVar's aggregate classification.

Literature cited by the submitters: PubMed 8571951 (cited by Labcorp Genetics (formerly Invitae), Labcorp); PubMed 11448940 (cited by Labcorp Genetics (formerly Invitae), Labcorp); PubMed 15294877 (cited by Labcorp Genetics (formerly Invitae), Labcorp); PubMed 21077204 (cited by Labcorp Genetics (formerly Invitae), Labcorp); PubMed 21922596 (cited by Labcorp Genetics (formerly Invitae), Labcorp).

NM_000112.4(SLC26A2):c.2097T>A (p.Tyr699Ter)

Gene: SLC26A2 (solute carrier family 26 member 2; plus strand). Cytogenetic location: 5q32.
Variant type: single nucleotide variant.
Coding change: c.2097T>A on transcript NM_000112.4 (MANE Select); coding-DNA position 2097, T replaced by A.
Protein change: p.Tyr699Ter; replaces tyrosine 699 with a stop codon.
Molecular consequence: nonsense.
Genome position (GRCh38, 1-based): chr5:149,981,690, T>A. VCF-style: chr5-149981690-T-A. GRCh37 (hg19) VCF-style: chr5-149361253-T-A.
Other names: short protein forms Y699*.
Identifiers: ClinVar variation 555059 (VCV000555059.5), dbSNP rs761932822, ClinGen allele CA361709796.